The following is an entry in ClinVar:

NM_032043.3(BRIP1):c.387T>C (p.Pro129=)

Gene: BRIP1 (BRCA1 interacting DNA helicase 1; minus strand). Cytogenetic location: 17q23.2.
Variant type: single nucleotide variant.
Coding change: c.387T>C on transcript NM_032043.3 (MANE Select); coding-DNA position 387, T replaced by C.
Protein change: p.Pro129=; no amino-acid change (proline 129 retained).
Molecular consequence: synonymous variant.
Genome position (GRCh38, 1-based): chr17:61,849,249, A>G on the plus strand (T>C on the coding strand, the complement: BRIP1 is on the minus strand). VCF-style: chr17-61849249-A-G. GRCh37 (hg19) VCF-style: chr17-59926610-A-G.
Identifiers: ClinVar variation 439029 (VCV000439029.22), dbSNP rs779324498, ClinGen allele CA8690937.

ClinVar aggregate classification (germline): Conflicting classifications of pathogenicity. Review status: criteria provided, conflicting classifications (1 of 4 stars). 6 submissions from 6 submitters: Uncertain significance (1); Benign (1); Likely benign (4). Last evaluated 2025-11-26.

Conditions:
Hereditary cancer-predisposing syndrome. Also called: Hereditary Cancer Syndrome; Hereditary neoplastic syndrome; Neoplastic Syndromes, Hereditary; Tumor predisposition. Identifiers: Orphanet 140162, MedGen C0027672, MeSH D009386, MONDO:0015356.
Fanconi anemia complementation group J. Also called: BRIP1-Related Fanconi Anemia. Identifiers: Orphanet 84, MedGen C1836860, MONDO:0012187, OMIM 609054.
Familial cancer of breast. Also called: Hereditary breast cancer; hereditary breast carcinoma; BREAST CANCER, FAMILIAL. Identifiers: Orphanet 227535, MedGen C0346153, MONDO:0016419, OMIM 114480. Disease mechanism: loss of function.

Allele frequency attached by ClinVar (database versions not stated): ExAC 0.00001.
gnomAD v4.1: 10 of 1,612,440 alleles (0.00062%); highest among the groups gnomAD compares: Non-Finnish European, 0.00076%; no homozygotes.

Submissions (6):

Labcorp Genetics (formerly Invitae), Labcorp
Classification: Likely benign for Familial cancer of breast; Fanconi anemia complementation group J. Last evaluated: 2025-11-26. Review status: criteria provided, single submitter. Criteria: Invitae Variant Classification Sherloc (09022015). Collection method: clinical testing. Allele origin: germline.

Myriad Genetics, Inc.
Classification: Benign for Familial cancer of breast. Last evaluated: 2024-08-21. Review status: criteria provided, single submitter. Criteria: Myriad Autosomal Dominant, Autosomal Recessive and X-Linked Classification Criteria (2023). Collection method: clinical testing. Allele origin: unknown.
Comment: This variant is considered benign. This variant is a silent/synonymous amino acid change and it is not expected to impact splicing.

Blueprint Genetics
Classification: Likely benign. Last evaluated: 2024-04-17. Review status: criteria provided, single submitter. Criteria: ACMG Guidelines, 2015. Collection method: clinical testing. Allele origin: germline.

Women's Health and Genetics/Laboratory Corporation of America, LabCorp
Classification: Likely benign. Last evaluated: 2020-01-31. Review status: criteria provided, single submitter. Criteria: LabCorp Variant Classification Summary - May 2015. Collection method: clinical testing. Allele origin: germline.

Ambry Genetics
Classification: Likely benign for Hereditary cancer-predisposing syndrome. Last evaluated: 2018-03-12. Review status: criteria provided, single submitter. Criteria: Ambry Variant Classification Scheme 2023. Collection method: clinical testing. Allele origin: germline.

Quest Diagnostics Nichols Institute San Juan Capistrano
Classification: Uncertain significance. Last evaluated: 2017-04-04. Review status: criteria provided, single submitter. Criteria: Quest Diagnostics criteria. Collection method: clinical testing. Allele origin: germline.